The following is an entry in ClinVar:

NM_000526.5(KRT14):c.1203G>A (p.Leu401=)

Gene: KRT14 (keratin 14; minus strand). Cytogenetic location: 17q21.2.
Variant type: single nucleotide variant.
Coding change: c.1203G>A on transcript NM_000526.5 (MANE Select); coding-DNA position 1203, G replaced by A.
Protein change: p.Leu401=; no amino-acid change (leucine 401 retained).
Molecular consequence: synonymous variant.
Genome position (GRCh38, 1-based): chr17:41,583,306, C>T on the plus strand (G>A on the coding strand, the complement: KRT14 is on the minus strand). VCF-style: chr17-41583306-C-T. GRCh37 (hg19) VCF-style: chr17-39739558-C-T.
Identifiers: ClinVar variation 711995 (VCV000711995.33), dbSNP rs139804375, ClinGen allele CA8562479.
Genomic context (GRCh38, chr17:41,583,306, plus strand): 5'-GCCCTCCAGCAGGCGGCGGTAGGTGGCGATCTCCTGCTCCAGCCGCGTCTTCACGTCCAG[C>T]AGGATCTTGTACTCCTGGTTCTGCTGCTCCATCTCGCAGCGGAGCTGGGCCAGCTGCTCC-3'
Protein context (NP_000517.3, residues 391-411): MEQQNQEYKI[Leu401=]LDVKTRLEQE

ClinVar aggregate classification (germline): Likely benign. Review status: criteria provided, multiple submitters, no conflicts (2 of 4 stars). 3 submissions from 3 submitters: Likely benign (2). 1 of the submissions does not count toward it. Last evaluated 2025-11-23.

Conditions:
KRT14-related disorder. Also called: KRT14-related condition.

Allele frequency attached by ClinVar (database versions not stated): ESP Exome Variant Server 0.00038; ExAC 0.00051; gnomAD 0.00054 and 0.00056; gnomAD exomes 0.00054 and 0.00055; 1000 Genomes Project 30x 0.00094; TOPMed 0.00096; 1000 Genomes Project 0.00120.
gnomAD v4.1: 913 of 1,613,706 alleles (0.057%); highest among the groups gnomAD compares: Middle Eastern, 0.28%; 3 homozygotes.

Submissions (3):

Labcorp Genetics (formerly Invitae), Labcorp
Classification: Likely benign. Last evaluated: 2025-11-23. Review status: criteria provided, single submitter. Criteria: Invitae Variant Classification Sherloc (09022015). Collection method: clinical testing. Allele origin: germline.

CeGaT Center for Human Genetics Tuebingen
Classification: Likely benign. Last evaluated: 2023-04-01. Review status: criteria provided, single submitter. Criteria: CeGaT Center For Human Genetics Tuebingen Variant Classification Criteria Version 2. Collection method: clinical testing. Allele origin: germline. Affected: yes. Observed: 2 variant alleles.
Comment: KRT14: BP4, BP7

PreventionGenetics, part of Exact Sciences
Classification: Likely benign for KRT14-related condition. Last evaluated: 2019-07-05. Review status: no assertion criteria provided. Collection method: clinical testing. Allele origin: germline. Not counted in ClinVar's aggregate classification.
Comment: This variant is classified as likely benign based on ACMG/AMP sequence variant interpretation guidelines (Richards et al. 2015 PMID: 25741868, with internal and published modifications).